The following is an entry in ClinVar:

NM_000037.4(ANK1):c.5333G>A (p.Arg1778Lys)

Gene: ANK1 (ankyrin 1; minus strand). Cytogenetic location: 8p11.21.
Variant type: single nucleotide variant.
Coding change: c.5333G>A on transcript NM_000037.4 (MANE Select); coding-DNA position 5333, G replaced by A.
Protein change: p.Arg1778Lys; replaces arginine 1778 with lysine.
Molecular consequence: missense variant.
Genome position (GRCh38, 1-based): chr8:41,668,328, C>T on the plus strand (G>A on the coding strand, the complement: ANK1 is on the minus strand). VCF-style: chr8-41668328-C-T. GRCh37 (hg19) VCF-style: chr8-41525846-C-T.
Other names: c.5456G>A, p.Arg1819Lys (NM_001142446.2); c.5333G>A, p.Arg1778Lys (NM_020475.3, NM_020476.3); c.4847G>A, p.Arg1616Lys (NM_020477.3); c.5333G>A (NM_000037.3); short protein forms R1616K, R1778K, R1819K.
Identifiers: ClinVar variation 2439039 (VCV002439039.5), dbSNP rs532269443, ClinGen allele CA4727314.

ClinVar aggregate classification (germline): Uncertain significance. Review status: criteria provided, multiple submitters, no conflicts (2 of 4 stars). 3 submissions from 3 submitters: Uncertain significance (3). Last evaluated 2025-04-13.

Conditions:
Inborn genetic diseases. Identifiers: MedGen C0950123, MeSH D030342.
Hereditary spherocytosis type 1. Also called: Spherocytosis type 1; ANK1-Related Spherocytosis. Identifiers: Orphanet 822, MedGen C2674218, MONDO:0008447, OMIM 182900.

Allele frequency attached by ClinVar (database versions not stated): ExAC 0.00001; gnomAD 0.00001; TOPMed 0.00003; 1000 Genomes Project 30x 0.00016; 1000 Genomes Project 0.00020.
gnomAD v4.1: 5 of 1,614,234 alleles (0.00031%); highest among the groups gnomAD compares: Non-Finnish European, 0.000085%; no homozygotes.

Submissions (3):

Ambry Genetics
Classification: Uncertain significance for Inborn genetic diseases. Last evaluated: 2025-04-13. Review status: criteria provided, single submitter. Criteria: Ambry Variant Classification Scheme 2023. Collection method: clinical testing. Allele origin: germline.

ARUP Laboratories, Molecular Genetics and Genomics, ARUP Laboratories
Classification: Uncertain significance for Hereditary spherocytosis type 1. Last evaluated: 2024-10-30. Review status: criteria provided, single submitter. Criteria: ARUP Molecular Germline Variant Investigation Process 2024. Collection method: clinical testing. Allele origin: germline.
Comment: The ANK1 c.5333G>A;p.Arg1778Lys variant (rs532269443), to our knowledge, is not reported in the medical literature but is reported in ClinVar (Variation ID: 2439039). This variant is only observed on one allele in the Genome Aggregation Database (v2.1.1), indicating it is not a common polymorphism. Computational analyses predict that this variant is neutral (REVEL: 0.036). Due to limited information, the clinical significance of this variant is uncertain at this time.

Revvity Omics, Revvity
Classification: Uncertain significance for Hereditary spherocytosis type 1. Last evaluated: 2024-01-24. Review status: criteria provided, single submitter. Criteria: ACMG Guidelines, 2015. Collection method: clinical testing. Allele origin: germline.